The following is an entry in ClinVar:

ClinVar aggregate classification (germline): Uncertain significance (1 of 4 stars; one submission).

Conditions:
Hyperekplexia 3 (HKPX3). Also called: HYPEREKPLEXIA 3, AUTOSOMAL RECESSIVE; HYPEREKPLEXIA 3, AUTOSOMAL DOMINANT. Identifiers: Orphanet 3197, MedGen C3553288, MONDO:0013827, OMIM 614618.

Allele frequency attached by ClinVar (database versions not stated): gnomAD exomes below 0.00001; ExAC 0.00002.

Submission:

Labcorp Genetics (formerly Invitae), Labcorp
Classification: Uncertain significance for Hyperekplexia 3. Last evaluated: 2023-10-03. Review status: criteria provided, single submitter. Criteria: Invitae Variant Classification Sherloc (09022015). Collection method: clinical testing. Allele origin: germline.
Comment: This sequence change falls in intron 7 of the SLC6A5 gene. It does not directly change the encoded amino acid sequence of the SLC6A5 protein. It affects a nucleotide within the consensus splice site. This variant is present in population databases (rs758420626, gnomAD 0.006%). This variant has not been reported in the literature in individuals affected with SLC6A5-related conditions. ClinVar contains an entry for this variant (Variation ID: 2166408). Variants that disrupt the consensus splice site are a relatively common cause of aberrant splicing (PMID: 17576681, 9536098). Algorithms developed to predict the effect of sequence changes on RNA splicing suggest that this variant is not likely to affect RNA splicing. In summary, the available evidence is currently insufficient to determine the role of this variant in disease. Therefore, it has been classified as a Variant of Uncertain Significance.

Literature cited by the submitters: PubMed 17576681; PubMed 9536098.

NM_004211.5(SLC6A5):c.1261-3T>C

Gene: SLC6A5 (solute carrier family 6 member 5; plus strand). Cytogenetic location: 11p15.1.
Variant type: single nucleotide variant.
Coding change: c.1261-3T>C on transcript NM_004211.5 (MANE Select); 3 bases into the intron before coding-DNA position 1261, T replaced by C.
Molecular consequence: intron variant.
Genome position (GRCh38, 1-based): chr11:20,626,705, T>C. VCF-style: chr11-20626705-T-C. GRCh37 (hg19) VCF-style: chr11-20648251-T-C.
Other names: c.559-3T>C (NM_001318369.2).
Identifiers: ClinVar variation 2166408 (VCV002166408.3), dbSNP rs758420626, ClinGen allele CA5921391.